The following is an entry in ClinVar:

NM_001458.5(FLNC):c.3693_3695dup (p.Gly1232dup)

Gene: FLNC (filamin C; plus strand). Cytogenetic location: 7q32.1.
Variant type: Duplication.
Coding change: c.3693_3695dup on transcript NM_001458.5 (MANE Select); coding-DNA positions 3693 to 3695, 3 bases duplicated (CGG; older notation c.3693_3695dupCGG).
Protein change: p.Gly1232dup; duplicates glycine 1232.
Molecular consequence: inframe insertion.
Genome position (GRCh38, 1-based): chr7:128,845,158-128,845,160, CGG duplicated; duplicating any 3 consecutive bases within chr7:128,845,156-128,845,160 gives the same sequence; the c. name uses the placement nearest the transcript's 3' end. VCF-style (leftmost placement, unchanged base first): chr7-128845155-T-TGGC. GRCh37 (hg19) VCF-style: chr7-128485209-T-TGGC.
Other names: c.3693_3695dup, p.Gly1232dup (NM_001127487.2).
Identifiers: ClinVar variation 967149 (VCV000967149.13), dbSNP rs1808507351, ClinGen allele CA1139660254.

ClinVar aggregate classification (germline): Uncertain significance. Review status: criteria provided, multiple submitters, no conflicts (2 of 4 stars). 2 submissions from 2 submitters: Uncertain significance (2). Last evaluated 2023-02-04.

Conditions:
Myofibrillar myopathy 5. Also called: FILAMINOPATHY, AUTOSOMAL DOMINANT; Filaminopathy (type). Identifiers: Orphanet 171445, MedGen C1836050, MONDO:0012289, OMIM 609524.
Distal myopathy with posterior leg and anterior hand involvement. Also called: WILLIAMS DISTAL MYOPATHY. Identifiers: Orphanet 63273, MedGen C3279722, MONDO:0013550, OMIM 614065.
Hypertrophic cardiomyopathy 26. Also called: Cardiomyopathy, familial hypertrophic, 26. Identifiers: Orphanet 75249, MedGen C4310749, MONDO:0014883, OMIM 617047.

Submissions (2):

Labcorp Genetics (formerly Invitae), Labcorp
Classification: Uncertain significance for Distal myopathy with posterior leg and anterior hand involvement; Myofibrillar myopathy 5; Hypertrophic cardiomyopathy 26. Last evaluated: 2023-02-04. Review status: criteria provided, single submitter. Criteria: Invitae Variant Classification Sherloc (09022015). Collection method: clinical testing. Allele origin: germline.
Comment: This variant, c.3693_3695dup, results in the insertion of 1 amino acid(s) of the FLNC protein (p.Gly1232dup), but otherwise preserves the integrity of the reading frame. This variant is not present in population databases (gnomAD no frequency). This variant has not been reported in the literature in individuals affected with FLNC-related conditions. ClinVar contains an entry for this variant (Variation ID: 967149). Experimental studies and prediction algorithms are not available or were not evaluated, and the functional significance of this variant is currently unknown. In summary, the available evidence is currently insufficient to determine the role of this variant in disease. Therefore, it has been classified as a Variant of Uncertain Significance.

Revvity Omics, Revvity
Classification: Uncertain significance. Last evaluated: 2019-02-06. Review status: criteria provided, single submitter. Criteria: ACMG Guidelines, 2015. Collection method: clinical testing. Allele origin: germline.